The following is an entry in ClinVar:

ClinVar aggregate classification (germline): Likely benign (0 of 4 stars; one submission).

Conditions:
SH2B1-related disorder. Also called: SH2B1-related condition.

gnomAD v4.1: 2 of 1,605,796 alleles (0.00012%); highest among the groups gnomAD compares: Admixed American, 0.0034%; no homozygotes.

Submission:

PreventionGenetics, part of Exact Sciences
Classification: Likely benign for SH2B1-related condition. Last evaluated: 2020-02-24. Review status: no assertion criteria provided. Collection method: clinical testing. Allele origin: germline.
Comment: This variant is classified as likely benign based on ACMG/AMP sequence variant interpretation guidelines (Richards et al. 2015 PMID: 25741868, with internal and published modifications).

NM_001387430.1(SH2B1):c.1710C>T (p.Phe570=)

Gene: SH2B1 (SH2B adaptor protein 1; plus strand). Cytogenetic location: 16p11.2.
Variant type: single nucleotide variant.
Coding change: c.1710C>T on transcript NM_001387430.1 (MANE Select); coding-DNA position 1710, C replaced by T.
Protein change: p.Phe570=; no amino-acid change (phenylalanine 570 retained).
Molecular consequence: synonymous variant.
Genome position (GRCh38, 1-based): chr16:28,872,386, C>T. VCF-style: chr16-28872386-C-T. GRCh37 (hg19) VCF-style: chr16-28883707-C-T.
Other names: c.702C>T, p.Phe234= (NM_001308294.2); c.1710C>T, p.Phe570= (NM_001387404.1, NM_015503.3, NM_001145795.2 and 4 more transcripts).
Identifiers: ClinVar variation 3345389 (VCV003345389.1).